The following is an entry in ClinVar:

ClinVar aggregate classification (germline): Likely pathogenic (1 of 4 stars; one submission).

Submission:

GeneDx
Classification: Likely pathogenic. Last evaluated: 2025-05-27. Review status: criteria provided, single submitter. Criteria: GeneDx Variant Classification Process June 2021. Collection method: clinical testing. Allele origin: germline. Affected: yes.
Comment: Not observed at significant frequency in large population cohorts (gnomAD); In silico analysis supports that this missense variant has a deleterious effect on protein structure/function; Missense variants in this gene are a common cause of disease and they are underrepresented in the general population; Has not been previously published as pathogenic or benign to our knowledge

NM_003140.3(SRY):c.188C>T (p.Pro63Leu)

Gene: SRY (sex determining region Y; minus strand). Cytogenetic location: Yp11.2.
Variant type: single nucleotide variant.
Coding change: c.188C>T on transcript NM_003140.3 (MANE Select); coding-DNA position 188, C replaced by T.
Protein change: p.Pro63Leu; replaces proline 63 with leucine.
Molecular consequence: missense variant.
Genome position (GRCh38, 1-based): chrY:2,787,416, G>A on the plus strand (C>T on the coding strand, the complement: SRY is on the minus strand). VCF-style: chrY-2787416-G-A. GRCh37 (hg19) VCF-style: chrY-2655457-G-A.
Other names: short protein forms P63L.
Identifiers: ClinVar variation 4532513 (VCV004532513.1).